The following is an entry in ClinVar:

NM_001098.3(ACO2):c.1832del (p.Asp611fs)

Genes: ACO2 (aconitase 2; plus strand), POLR3H (RNA polymerase III subunit H; minus strand). Cytogenetic location: 22q13.2.
Variant type: Deletion.
Coding change: c.1832del on transcript NM_001098.3 (MANE Select); coding-DNA position 1832, one base deleted (A; older notation c.1832delA).
Protein change: p.Asp611fs; shifts the reading frame from aspartic acid 611.
Molecular consequence: frameshift variant. On other transcripts: 3 prime UTR variant (5).
Genome position (GRCh38, 1-based): chr22:41,526,332, A deleted. VCF-style (leftmost placement, unchanged base first): chr22-41526331-GA-G. GRCh37 (hg19) VCF-style: chr22-41922335-GA-G.
Other names: c.*2951del (NM_001018050.4, NM_001018052.4, NM_001282884.2 and 2 more transcripts); short protein forms D611fs.
Identifiers: ClinVar variation 2128473 (VCV002128473.4), dbSNP rs2518236280, ClinGen allele CA2580099866.

ClinVar aggregate classification (germline): Pathogenic (1 of 4 stars; one submission).

Submission:

Labcorp Genetics (formerly Invitae), Labcorp
Classification: Pathogenic. Last evaluated: 2022-08-15. Review status: criteria provided, single submitter. Criteria: Invitae Variant Classification Sherloc (09022015). Collection method: clinical testing. Allele origin: germline.
Comment: This sequence change creates a premature translational stop signal (p.Asp611Valfs*49) in the ACO2 gene. It is expected to result in an absent or disrupted protein product. Loss-of-function variants in ACO2 are known to be pathogenic (PMID: 30689204, 32519519). This variant is not present in population databases (gnomAD no frequency). This variant has not been reported in the literature in individuals affected with ACO2-related conditions. For these reasons, this variant has been classified as Pathogenic.

Literature cited by the submitters: PubMed 30689204; PubMed 32519519.